The following is an entry in ClinVar:

NM_000051.4(ATM):c.902-1G>T

Gene: ATM (ATM serine/threonine kinase; plus strand). Cytogenetic location: 11q22.3.
Variant type: single nucleotide variant.
Coding change: c.902-1G>T on transcript NM_000051.4 (MANE Select); the canonical splice acceptor site of the intron before coding-DNA position 902, G replaced by T.
Molecular consequence: splice acceptor variant.
Genome position (GRCh38, 1-based): chr11:108,246,963, G>T. VCF-style: chr11-108246963-G-T. GRCh37 (hg19) VCF-style: chr11-108117690-G-T.
Other names: c.902-1G>T (NM_001351834.2).
Identifiers: ClinVar variation 418911 (VCV000418911.52), dbSNP rs1064793518, ClinGen allele CA16619104.

ClinVar aggregate classification (germline): Pathogenic. Review status: criteria provided, multiple submitters, no conflicts (2 of 4 stars). 10 submissions from 10 submitters: Pathogenic (9). 1 of the submissions does not count toward it. Last evaluated 2026-01-13.

Conditions:
Hereditary cancer-predisposing syndrome. Also called: Tumor predisposition; Hereditary neoplastic syndrome; Hereditary Cancer Syndrome; Neoplastic Syndromes, Hereditary. Identifiers: Orphanet 140162, MedGen C0027672, MeSH D009386, MONDO:0015356.
Familial cancer of breast. Also called: hereditary breast carcinoma; BREAST CANCER, FAMILIAL; Hereditary breast cancer. Identifiers: Orphanet 227535, MedGen C0346153, MONDO:0016419, OMIM 114480. Disease mechanism: loss of function.
Ataxia-telangiectasia syndrome (AT). Also called: LOUIS-BAR SYNDROME; Ataxia-telangiectasia, complementation group E; Ataxia telangiectasia (A-T); Cerebello-oculocutaneous telangiectasia; Immunodeficiency with ataxia telangiectasia; Ataxia-telangiectasia, complementation group D. Identifiers: Orphanet 100, MedGen C0004135, MONDO:0008840, OMIM 208900.

Allele frequency attached by ClinVar (database versions not stated): gnomAD exomes below 0.00001; gnomAD 0.00001; TOPMed 0.00001.
gnomAD v4.1: 4 of 1,607,516 alleles (0.00025%); highest among the groups gnomAD compares: Non-Finnish European, 0.00034%; no homozygotes.

Submissions (10):

Labcorp Genetics (formerly Invitae), Labcorp
Classification: Pathogenic for Ataxia-telangiectasia syndrome. Last evaluated: 2026-01-13. Review status: criteria provided, single submitter. Criteria: Invitae Variant Classification Sherloc (09022015). Collection method: clinical testing. Allele origin: germline.
Comment: This sequence change affects an acceptor splice site in intron 7 of the ATM gene. RNA analysis indicates that disruption of this splice site induces altered splicing and may result in an absent or altered protein product. This variant is present in population databases (no rsID available, gnomAD 0.0009%). Disruption of this splice site has been observed in individual(s) with ataxia-telangiectasia in whom it co-occurs with a second pathogenic ATM variant (PMID: 10330348). This variant is also known as IVS9-1G>T. ClinVar contains an entry for this variant (Variation ID: 418911). Studies have shown that disruption of this splice site results in skipping of exon 8, and produces a non-functional protein and/or introduces a premature termination codon (PMID: 10330348; internal data). For these reasons, this variant has been classified as Pathogenic.

CeGaT Center for Human Genetics Tuebingen
Classification: Pathogenic. Last evaluated: 2025-07-01. Review status: criteria provided, single submitter. Criteria: CeGaT Center For Human Genetics Tuebingen Variant Classification Criteria Version 2. Collection method: clinical testing. Allele origin: germline. Affected: yes. Observed: 2 variant alleles.
Comment: ATM: PVS1, PM2, PS4:Supporting

Myriad Genetics, Inc.
Classification: Pathogenic for Familial cancer of breast. Last evaluated: 2024-01-11. Review status: criteria provided, single submitter. Criteria: Myriad Autosomal Dominant, Autosomal Recessive and X-Linked Classification Criteria (2023). Collection method: clinical testing. Allele origin: unknown.
Comment: This variant is considered pathogenic. This variant occurs within a consensus splice junction and is predicted to result in abnormal mRNA splicing of either an out-of-frame exon or an in-frame exon necessary for protein stability and/or normal function. Functional studies indicate this variant impacts protein function [PMID: 10330348].

Institute of Human Genetics, University of Leipzig Medical Center
Classification: Pathogenic for Familial cancer of breast. Last evaluated: 2023-12-28. Review status: criteria provided, single submitter. Criteria: ACMG Guidelines, 2015. Collection method: clinical testing. Allele origin: maternal. Inheritance: Autosomal dominant inheritance. Affected: yes.
Comment: Criteria applied: PVS1,PS3_MOD,PS4_MOD,PM2_SUP

Ambry Genetics
Classification: Pathogenic for Hereditary cancer-predisposing syndrome. Last evaluated: 2023-03-31. Review status: criteria provided, single submitter. Criteria: Ambry Variant Classification Scheme 2023. Collection method: clinical testing. Allele origin: germline.
Comment: The c.902-1G>T intronic pathogenic mutation results from a G to T substitution one nucleotide upstream from coding exon 7 of the ATM gene. This mutation was detected in a compound heterozygous state with a second ATM mutation in an individual with ataxia telangiectasia (AT). On cDNA synthesized from patient mRNA, authors observed transcripts lacking coding exon 7, which is predicted to result in a frameshift and alternate stop codon (Teraoka SN et al, Am. J. Hum. Genet. 1999 Jun; 64(6):1617-31). This alteration was also seen in one individual with a family history of pancreatic cancer (Barnes CA et al. Fam. Cancer, 2018 01;17:101-111). In silico splice site analysis predicts that this alteration will weaken the native splice acceptor site. RNA studies have demonstrated that this alteration results in abnormal splicing in the set of samples tested (Ambry internal data). In addition to the clinical data presented in the literature, alterations that disrupt the canonical splice site are expected to cause aberrant splicing, resulting in an abnormal protein or a transcript that is subject to nonsense-mediated mRNA decay. As such, this alteration is classified as pathogenic.

Baylor Genetics
Classification: Pathogenic for Familial cancer of breast. Last evaluated: 2022-12-05. Review status: criteria provided, single submitter. Criteria: ACMG Guidelines, 2015. Collection method: clinical testing. Allele origin: unknown.

GeneDx
Classification: Pathogenic. Last evaluated: 2022-11-11. Review status: criteria provided, single submitter. Criteria: GeneDx Variant Classification Process June 2021. Collection method: clinical testing. Allele origin: germline. Affected: yes.
Comment: Canonical splice site variant predicted to result in a null allele in a gene for which loss of function is a known mechanism of disease; Not observed at significant frequency in large population cohorts (gnomAD); This variant is associated with the following publications: (PMID: 29922827, 23807571, 23585524, 26247737, 27304073, 25614872, 35716007, 29101607, 10330348, 34262154)

MGZ Medical Genetics Center
Classification: Pathogenic for Familial cancer of breast. Last evaluated: 2022-06-07. Review status: criteria provided, single submitter. Criteria: ACMG Guidelines, 2015. Collection method: clinical testing. Allele origin: germline. Affected: yes. Observed: 1 variant allele.
Comment: ACMG criteria applied: PVS1, PS3, PM3, PS4_SUP, PM2_SUP

Color Diagnostics, LLC DBA Color Health
Classification: Pathogenic for Hereditary cancer-predisposing syndrome. Last evaluated: 2021-04-06. Review status: criteria provided, single submitter. Criteria: ACMG Guidelines, 2015. Collection method: clinical testing. Allele origin: germline.
Comment: This variant causes a G to T nucleotide substitution at the -1 position of intron 7 of the ATM gene. Splice site prediction tools suggest that this variant may have a significant impact on RNA splicing. An RNA study using carrier-derived RNA has shown that this variant causes the skipping of exon 8, creating a premature translation stop signal in the RNA transcript (PMID: 10330348). The aberrant transcript is expected to result in an absent or non-functional protein product. This variant (also known as IVS9-1G>T in the literature) has been reported in trans with an additional pathogenic ATM variant in an individual affected with ataxia telangiectasia (PMID: 10330348). This variant has also been reported in an individual with family history of pancreatic cancer (PMID: 29101607). This variant has been identified in 1/250328 chromosomes in the general population by the Genome Aggregation Database (gnomAD). Loss of ATM function is a known mechanism of disease. Based on the available evidence, this variant is classified as Pathogenic.

Natera, Inc.
Classification: Pathogenic for Ataxia-telangiectasia. Last evaluated: 2020-09-16. Review status: no assertion criteria provided. Collection method: clinical testing. Allele origin: germline. Not counted in ClinVar's aggregate classification.

Literature cited by the submitters: PubMed 10330348 (cited by 3 submitters); PubMed 29101607 (cited by Ambry Genetics).